The following is an entry in ClinVar:

NM_001017930.2(DCAF8L1):c.93G>C (p.Ala31=)

Gene: DCAF8L1 (DDB1 and CUL4 associated factor 8 like 1; minus strand). Cytogenetic location: Xp21.3.
Variant type: single nucleotide variant.
Coding change: c.93G>C on transcript NM_001017930.2 (MANE Select); coding-DNA position 93, G replaced by C.
Protein change: p.Ala31=; no amino-acid change (alanine 31 retained).
Molecular consequence: synonymous variant.
Genome position (GRCh38, 1-based): chrX:27,981,242, C>G on the plus strand (G>C on the coding strand, the complement: DCAF8L1 is on the minus strand). VCF-style: chrX-27981242-C-G. GRCh37 (hg19) VCF-style: chrX-27999359-C-G.
Identifiers: ClinVar variation 2660219 (VCV002660219.24), dbSNP rs189774563, ClinGen allele CA10375314.
Genomic context (GRCh38, chrX:27,981,242, plus strand): 5'-ACCATCTCCGGTCGATGGCTCTGTGGCTGCCATTTCAATGTCTGAGGAGGCCGCCGTCAC[C>G]GCTGCTACTCCAGACTGCTCCTCTGGGCTGCTGAACAGGCTTTCAGTCACTAAGTCTGGT-3'
Protein context (NP_001017930.1, residues 21-41): SSPEEQSGVA[Ala31=]VTAASSDIEM

ClinVar aggregate classification (germline): Likely benign (1 of 4 stars; one submission).

Submission:

CeGaT Center for Human Genetics Tuebingen
Classification: Likely benign. Last evaluated: 2022-06-01. Review status: criteria provided, single submitter. Criteria: CeGaT Center For Human Genetics Tuebingen Variant Classification Criteria Version 2. Collection method: clinical testing. Allele origin: germline. Affected: yes. Observed: 1 variant allele.
Comment: DCAF8L1: BP4, BP7